The following is an entry in ClinVar:

NM_006306.4(SMC1A):c.1486C>T (p.Arg496Cys)

Gene: SMC1A (structural maintenance of chromosomes 1A; minus strand). Cytogenetic location: Xp11.22.
Variant type: single nucleotide variant.
Coding change: c.1486C>T on transcript NM_006306.4 (MANE Select); coding-DNA position 1486, C replaced by T.
Protein change: p.Arg496Cys; replaces arginine 496 with cysteine.
Molecular consequence: missense variant.
Genome position (GRCh38, 1-based): chrX:53,409,121, G>A on the plus strand (C>T on the coding strand, the complement: SMC1A is on the minus strand). VCF-style: chrX-53409121-G-A. GRCh37 (hg19) VCF-style: chrX-53436052-G-A.
Other names: c.1420C>T, p.Arg474Cys (NM_001281463.1); short protein forms R496C, R474C.
Identifiers: ClinVar variation 841238 (VCV000841238.13), dbSNP rs2075701790, ClinGen allele CA413255464.

ClinVar aggregate classification (germline): Pathogenic/Likely pathogenic. Review status: criteria provided, multiple submitters, no conflicts (2 of 4 stars). 3 submissions from 3 submitters: Pathogenic (2); Likely pathogenic (1). Last evaluated 2024-12-03.

Conditions:
Congenital muscular hypertrophy-cerebral syndrome (CDLS2). Also called: Cornelia de Lange syndrome 2; SMC1A-Related Cornelia de Lange Syndrome. Identifiers: Orphanet 199, MedGen C1802395, MONDO:0010370, OMIM 300590.
Developmental and epileptic encephalopathy, 85, with or without midline brain defects. Also called: EPILEPTIC ENCEPHALOPATHY, EARLY INFANTILE, 85, WITH OR WITHOUT MIDLINE BRAIN DEFECTS. Identifiers: MedGen C5393312, MONDO:0026771, OMIM 301044.

Submissions (3):

GeneDx
Classification: Pathogenic. Last evaluated: 2024-12-03. Review status: criteria provided, single submitter. Criteria: GeneDx Variant Classification Process June 2021. Collection method: clinical testing. Allele origin: germline. Affected: yes.
Comment: In silico analysis supports that this missense variant has a deleterious effect on protein structure/function; Not observed at significant frequency in large population cohorts (gnomAD); Missense variants in this gene are often considered pathogenic (HGMD); This variant is associated with the following publications: (PMID: 22140011, 18996922, 19842212, 28548707, 26386245, 23106691, 17273969, 19701948, 26581180)

Labcorp Genetics (formerly Invitae), Labcorp
Classification: Likely pathogenic for Congenital muscular hypertrophy-cerebral syndrome. Last evaluated: 2024-05-02. Review status: criteria provided, single submitter. Criteria: Invitae Variant Classification Sherloc (09022015). Collection method: clinical testing. Allele origin: germline.
Comment: This sequence change replaces arginine, which is basic and polar, with cysteine, which is neutral and slightly polar, at codon 496 of the SMC1A protein (p.Arg496Cys). This variant is not present in population databases (gnomAD no frequency). This missense change has been observed in individuals with clinical features of Cornelia de Lange syndrome (PMID: 17273969; Invitae). ClinVar contains an entry for this variant (Variation ID: 841238). Advanced modeling of protein sequence and biophysical properties (such as structural, functional, and spatial information, amino acid conservation, physicochemical variation, residue mobility, and thermodynamic stability) performed at Invitae indicates that this missense variant is expected to disrupt SMC1A protein function with a positive predictive value of 80%. Experimental studies have shown that this missense change affects SMC1A function (PMID: 18996922). This variant disrupts the p.Arg496 amino acid residue in SMC1A. Other variant(s) that disrupt this residue have been determined to be pathogenic (PMID: 17273969, 22140011, 24461912). This suggests that this residue is clinically significant, and that variants that disrupt this residue are likely to be disease-causing. In summary, the currently available evidence indicates that the variant is pathogenic, but additional data are needed to prove that conclusively. Therefore, this variant has been classified as Likely Pathogenic.

Institute of Immunology and Genetics Kaiserslautern
Classification: Pathogenic for Congenital muscular hypertrophy-cerebral syndrome; Developmental and epileptic encephalopathy, 85, with or without midline brain defects. Last evaluated: 2024-02-02. Review status: criteria provided, single submitter. Criteria: ACMG Guidelines, 2015. Collection method: clinical testing. Allele origin: maternal. Affected: yes.
Comment: ACMG Criteria: PS3, PM1, PM2_P, PM5, PP3, PP5; Variant was found in hemizygous state

Literature cited by the submitters: PubMed 17273969 (cited by Labcorp Genetics (formerly Invitae), Labcorp); PubMed 18996922 (cited by Labcorp Genetics (formerly Invitae), Labcorp); PubMed 22140011 (cited by Labcorp Genetics (formerly Invitae), Labcorp); PubMed 24461912 (cited by Labcorp Genetics (formerly Invitae), Labcorp).